The following is an entry in ClinVar:

ClinVar aggregate classification (germline): Likely benign. Review status: criteria provided, multiple submitters, no conflicts (2 of 4 stars). 4 submissions from 4 submitters: Likely benign (3). 1 of the submissions does not count toward it. Last evaluated 2025-12-15.

Conditions:
FLNA-related disorder.
Oto-palato-digital syndrome, type II (OPD2). Also called: Otopalatodigital Syndrome Type 2 (FLNA-OPD2); FACIOPALATOOSSEOUS SYNDROME; OPD II SYNDROME; Otopalatodigital Syndrome, Type II. Identifiers: Orphanet 669, Orphanet 90652, MedGen C1844696, MONDO:0010571, OMIM 304120.
Frontometaphyseal dysplasia (FMD1). Identifiers: Orphanet 1826, MedGen C0265293, MONDO:0015942.
Heterotopia, periventricular, X-linked dominant (PVNH1). Also called: X-linked periventricular heterotopia; PERIVENTRICULAR NODULAR HETEROTOPIA 1; PERIVENTRICULAR NODULAR HETEROTOPIA 4; HETEROTOPIA, PERIVENTRICULAR, 1. Identifiers: Orphanet 2149, Orphanet 82004, MedGen C1848213, MONDO:0010233, OMIM 300049.
Melnick-Needles syndrome (MNS). Also called: Melnick-Needles Syndrome (FLNA-MNS); MELNICK-NEEDLES OSTEODYSPLASTY; OSTEODYSPLASTY OF MELNICK AND NEEDLES. Identifiers: Orphanet 2484, MedGen C0025237, MONDO:0010650, OMIM 309350.
Familial thoracic aortic aneurysm and aortic dissection (TAAD). Also called: Thoracic aortic aneurysms and dissections. Identifiers: Orphanet 91387, MedGen C4707243, MONDO:0019625.

Allele frequency attached by ClinVar (database versions not stated): gnomAD exomes 0.00001 and 0.00002; ExAC 0.00002; TOPMed 0.00002; gnomAD 0.00004.
gnomAD v4.1: 24 of 1,209,993 alleles (0.002%); highest among the groups gnomAD compares: Non-Finnish European, 0.0023%; no homozygotes.

Submissions (4):

Labcorp Genetics (formerly Invitae), Labcorp
Classification: Likely benign for Oto-palato-digital syndrome, type II; Heterotopia, periventricular, X-linked dominant; Frontometaphyseal dysplasia; Melnick-Needles syndrome. Last evaluated: 2025-12-15. Review status: criteria provided, single submitter. Criteria: Invitae Variant Classification Sherloc (09022015). Collection method: clinical testing. Allele origin: germline.

Blueprint Genetics
Classification: Likely benign. Last evaluated: 2023-09-04. Review status: criteria provided, single submitter. Criteria: ACMG Guidelines, 2015. Collection method: clinical testing. Allele origin: germline.

Ambry Genetics
Classification: Likely benign for Familial thoracic aortic aneurysm and aortic dissection. Last evaluated: 2022-10-14. Review status: criteria provided, single submitter. Criteria: Ambry Variant Classification Scheme 2023. Collection method: clinical testing. Allele origin: germline.

PreventionGenetics, part of Exact Sciences
Classification: Likely benign for FLNA-related condition. Last evaluated: 2019-05-21. Review status: no assertion criteria provided. Collection method: clinical testing. Allele origin: germline. Not counted in ClinVar's aggregate classification.
Comment: This variant is classified as likely benign based on ACMG/AMP sequence variant interpretation guidelines (Richards et al. 2015 PMID: 25741868, with internal and published modifications).

NM_001110556.2(FLNA):c.1620C>T (p.Phe540=)

Gene: FLNA (filamin A; minus strand). Cytogenetic location: Xq28.
Variant type: single nucleotide variant.
Coding change: c.1620C>T on transcript NM_001110556.2 (MANE Select); coding-DNA position 1620, C replaced by T.
Protein change: p.Phe540=; no amino-acid change (phenylalanine 540 retained).
Molecular consequence: synonymous variant.
Genome position (GRCh38, 1-based): chrX:154,365,207, G>A on the plus strand (C>T on the coding strand, the complement: FLNA is on the minus strand). VCF-style: chrX-154365207-G-A. GRCh37 (hg19) VCF-style: chrX-153593575-G-A.
Other names: c.1620C>T, p.Phe540= (NM_001456.4); c.1620C>T (NM_001110556.1).
Identifiers: ClinVar variation 1551894 (VCV001551894.13), dbSNP rs782757137, ClinGen allele CA10561133.